The following is an entry in ClinVar:

ClinVar aggregate classification (germline): Benign (1 of 4 stars; one submission).

Allele frequency attached by ClinVar (database versions not stated): TOPMed 0.08351; 1000 Genomes Project 0.09385; 1000 Genomes Project 30x 0.09853.
gnomAD v4.1: 11,128 of 152,098 alleles (7.3%); highest among the groups gnomAD compares: African/African-American, 20%; 901 homozygotes.

Submission:

GeneDx
Classification: Benign. Last evaluated: 2018-06-14. Review status: criteria provided, single submitter. Criteria: GeneDx Variant Classification (06012015). Collection method: clinical testing. Allele origin: germline. Affected: yes.
Comment: This variant is considered likely benign or benign based on one or more of the following criteria: it is a conservative change, it occurs at a poorly conserved position in the protein, it is predicted to be benign by multiple in silico algorithms, and/or has population frequency not consistent with disease.

NM_001040151.2(SCN3B):c.584+206C>A

Gene: SCN3B (sodium voltage-gated channel beta subunit 3; minus strand). Cytogenetic location: 11q24.1.
Variant type: single nucleotide variant.
Coding change: c.584+206C>A on transcript NM_001040151.2 (MANE Select); 206 bases into the intron after coding-DNA position 584, C replaced by A.
Molecular consequence: intron variant.
Genome position (GRCh38, 1-based): chr11:123,637,980, G>T on the plus strand (C>A on the coding strand, the complement: SCN3B is on the minus strand). VCF-style: chr11-123637980-G-T. GRCh37 (hg19) VCF-style: chr11-123508688-G-T.
Other names: c.584+206C>A (NM_018400.4).
Identifiers: ClinVar variation 675388 (VCV000675388.1), dbSNP rs4554899, ClinGen allele CA229976361.